The following is an entry in ClinVar:

ClinVar aggregate classification (germline): Pathogenic (1 of 4 stars; one submission).

Conditions:
Spastic paraplegia. Identifiers: MedGen C0037772, HP:0001258.

Submission:

Labcorp Genetics (formerly Invitae), Labcorp
Classification: Pathogenic for Spastic paraplegia. Last evaluated: 2018-10-12. Review status: criteria provided, single submitter. Criteria: Invitae Variant Classification Sherloc (09022015). Collection method: clinical testing. Allele origin: germline.
Comment: This sequence change creates a premature translational stop signal (p.Val608Glyfs*19) in the L1CAM gene. It is expected to result in an absent or disrupted protein product. For these reasons, this variant has been classified as Pathogenic. Loss-of-function variants in L1CAM are known to be pathogenic (PMID: 19846429). This variant has not been reported in the literature in individuals with L1CAM-related disease. This variant is not present in population databases (ExAC no frequency).

Literature cited by the submitters: PubMed 19846429.

NM_001278116.2(L1CAM):c.1823del (p.Val608fs)

Gene: L1CAM (L1 cell adhesion molecule; minus strand). Cytogenetic location: Xq28.
Variant type: Deletion.
Coding change: c.1823del on transcript NM_001278116.2 (MANE Select); coding-DNA position 1823, one base deleted (T; older notation c.1823delT).
Protein change: p.Val608fs; shifts the reading frame from valine 608.
Molecular consequence: frameshift variant.
Genome position (GRCh38, 1-based): chrX:153,868,003, A deleted on the plus strand (T on the coding strand, the reverse complement: L1CAM is on the minus strand). VCF-style (leftmost placement, unchanged base first): chrX-153868002-CA-C. GRCh37 (hg19) VCF-style: chrX-153133457-CA-C.
Other names: c.1823del, p.Val608fs (NM_000425.5, NM_024003.3); c.1808del, p.Val603fs (NM_001143963.2); short protein forms V603fs, V608fs.
Identifiers: ClinVar variation 657401 (VCV000657401.6), dbSNP rs1603275195, ClinGen allele CA915952061.